The following is an entry in ClinVar:

ClinVar aggregate classification (germline): Uncertain significance. Review status: criteria provided, multiple submitters, no conflicts (2 of 4 stars). 2 submissions from 2 submitters: Uncertain significance (2). Last evaluated 2023-09-13.

Allele frequency attached by ClinVar (database versions not stated): gnomAD exomes 0.00001 and 0.00002; gnomAD 0.00002; TOPMed 0.00003; ExAC 0.00005.
gnomAD v4.1: 11 of 1,600,100 alleles (0.00069%); highest among the groups gnomAD compares: African/African-American, 0.0067%; no homozygotes.

Submissions (2):

Ambry Genetics
Classification: Uncertain significance. Last evaluated: 2023-09-13. Review status: criteria provided, single submitter. Criteria: Ambry Variant Classification Scheme 2023. Collection method: clinical testing. Allele origin: germline.

Labcorp Genetics (formerly Invitae), Labcorp
Classification: Uncertain significance. Last evaluated: 2019-08-26. Review status: criteria provided, single submitter. Criteria: Invitae Variant Classification Sherloc (09022015). Collection method: clinical testing. Allele origin: germline.
Comment: In summary, the available evidence is currently insufficient to determine the role of this variant in disease. Therefore, it has been classified as a Variant of Uncertain Significance. Algorithms developed to predict the effect of missense changes on protein structure and function are either unavailable or do not agree on the potential impact of this missense change (SIFT: "Tolerated"; PolyPhen-2: "Probably Damaging"; Align-GVGD: "Class C0"). This variant has not been reported in the literature in individuals with FSCN2-related conditions. This variant is present in population databases (rs782082455, ExAC 0.02%). This sequence change replaces glycine with serine at codon 236 of the FSCN2 protein (p.Gly236Ser). The glycine residue is moderately conserved and there is a small physicochemical difference between glycine and serine.

NM_012418.4(FSCN2):c.706G>A (p.Gly236Ser)

Gene: FSCN2 (fascin actin-bundling protein 2, retinal; plus strand). Cytogenetic location: 17q25.3.
Variant type: single nucleotide variant.
Coding change: c.706G>A on transcript NM_012418.4 (MANE Select); coding-DNA position 706, G replaced by A.
Protein change: p.Gly236Ser; replaces glycine 236 with serine.
Molecular consequence: missense variant.
Genome position (GRCh38, 1-based): chr17:81,529,237, G>A. VCF-style: chr17-81529237-G-A. GRCh37 (hg19) VCF-style: chr17-79496263-G-A.
Other names: c.706G>A, p.Gly236Ser (NM_001077182.3); short protein forms G236S.
Identifiers: ClinVar variation 964067 (VCV000964067.11), dbSNP rs782082455, ClinGen allele CA8836757.